The following is an entry in ClinVar:

NM_002160.4(TNC):c.3626A>G (p.Gln1209Arg)

Genes: TNC (tenascin C; minus strand), LOC126860741 (P300/CBP strongly-dependent group 1 enhancer GRCh37_chr9:117825442-117826641; plus strand). Cytogenetic location: 9q33.1.
Variant type: single nucleotide variant.
Coding change: c.3626A>G on transcript NM_002160.4 (MANE Select); coding-DNA position 3626, A replaced by G.
Protein change: p.Gln1209Arg; replaces glutamine 1209 with arginine.
Molecular consequence: missense variant. On other transcripts: intron variant (8).
Genome position (GRCh38, 1-based): chr9:115,063,930, T>C on the plus strand (A>G on the coding strand, the complement: TNC is on the minus strand). VCF-style: chr9-115063930-T-C. GRCh37 (hg19) VCF-style: chr9-117826209-T-C.
Other names: c.3626A>G, p.Gln1209Arg (NM_001439067.1, NM_001439068.1, NM_001439069.1 and 27 more transcripts); c.3214+9673A>G (NM_001439099.1, NM_001439096.1, NM_001439100.1 and 1 more transcripts); c.3215-6505A>G (NM_001439098.1, NM_001439094.1, NM_001439090.1); c.3487+717A>G (NM_001439097.1); short protein forms Q1209R.
Identifiers: ClinVar variation 4597273 (VCV004597273.1).

ClinVar aggregate classification (germline): Uncertain significance (1 of 4 stars; one submission).

gnomAD v4.1: 36 of 1,614,076 alleles (0.0022%); highest among the groups gnomAD compares: Admixed American, 0.0033%; no homozygotes.

Submission:

Ambry Genetics
Classification: Uncertain significance. Last evaluated: 2025-11-06. Review status: criteria provided, single submitter. Criteria: Ambry Variant Classification Scheme 2023. Collection method: clinical testing. Allele origin: germline.
Comment: The c.3626A>G (p.Q1209R) alteration is located in exon 12 (coding exon 11) of the TNC gene. This alteration results from a A to G substitution at nucleotide position 3626, causing the glutamine (Q) at amino acid position 1209 to be replaced by an arginine (R). Based on data from gnomAD, the G allele has an overall frequency of 0.001% (3/251360) total alleles studied. The highest observed frequency was 0.003% (3/113650) of European (non-Finnish) alleles. Based on insufficient or conflicting evidence, the clinical significance of this alteration remains unclear.